The following is an entry in ClinVar:

ClinVar aggregate classification (germline): Uncertain significance (1 of 4 stars; one submission).

Submission:

Labcorp Genetics (formerly Invitae), Labcorp
Classification: Uncertain significance. Last evaluated: 2024-11-05. Review status: criteria provided, single submitter. Criteria: Invitae Variant Classification Sherloc (09022015). Collection method: clinical testing. Allele origin: germline.
Comment: This sequence change replaces histidine, which is basic and polar, with tyrosine, which is neutral and polar, at codon 109 of the GNPTG protein (p.His109Tyr). This variant is not present in population databases (gnomAD no frequency). This variant has not been reported in the literature in individuals affected with GNPTG-related conditions. ClinVar contains an entry for this variant (Variation ID: 2059325). Invitae Evidence Modeling of protein sequence and biophysical properties (such as structural, functional, and spatial information, amino acid conservation, physicochemical variation, residue mobility, and thermodynamic stability) indicates that this missense variant is not expected to disrupt GNPTG protein function with a negative predictive value of 80%. In summary, the available evidence is currently insufficient to determine the role of this variant in disease. Therefore, it has been classified as a Variant of Uncertain Significance.

NM_032520.5(GNPTG):c.325C>T (p.His109Tyr)

Gene: GNPTG (N-acetylglucosamine-1-phosphate transferase subunit gamma; plus strand). Cytogenetic location: 16p13.3.
Variant type: single nucleotide variant.
Coding change: c.325C>T on transcript NM_032520.5 (MANE Select); coding-DNA position 325, C replaced by T.
Protein change: p.His109Tyr; replaces histidine 109 with tyrosine.
Molecular consequence: missense variant.
Genome position (GRCh38, 1-based): chr16:1,362,045, C>T. VCF-style: chr16-1362045-C-T. GRCh37 (hg19) VCF-style: chr16-1412046-C-T.
Other names: short protein forms H109Y.
Identifiers: ClinVar variation 2059325 (VCV002059325.3), dbSNP rs769722097, ClinGen allele CA394187185.